The following is an entry in ClinVar:

ClinVar aggregate classification (germline): Uncertain significance (1 of 4 stars; one submission).

Conditions:
Primary ciliary dyskinesia 30. Also called: CILIARY DYSKINESIA, PRIMARY, 30, WITH OR WITHOUT SITUS INVERSUS. Identifiers: Orphanet 244, MedGen C4015016, MONDO:0014465, OMIM 616037.

Allele frequency attached by ClinVar (database versions not stated): gnomAD 0.00001; gnomAD exomes 0.00001; TOPMed 0.00005.
gnomAD v4.1: 9 of 1,612,626 alleles (0.00056%); highest among the groups gnomAD compares: Admixed American, 0.0017%; no homozygotes.

Submission:

Labcorp Genetics (formerly Invitae), Labcorp
Classification: Uncertain significance for Primary ciliary dyskinesia 30. Last evaluated: 2023-02-03. Review status: criteria provided, single submitter. Criteria: Invitae Variant Classification Sherloc (09022015). Collection method: clinical testing. Allele origin: germline.
Comment: This sequence change replaces leucine, which is neutral and non-polar, with phenylalanine, which is neutral and non-polar, at codon 416 of the CCDC151 protein (p.Leu416Phe). This variant is not present in population databases (gnomAD no frequency). This variant has not been reported in the literature in individuals affected with CCDC151-related conditions. Algorithms developed to predict the effect of missense changes on protein structure and function are either unavailable or do not agree on the potential impact of this missense change (SIFT: "Tolerated"; PolyPhen-2: "Possibly Damaging"; Align-GVGD: "Class C0"). In summary, the available evidence is currently insufficient to determine the role of this variant in disease. Therefore, it has been classified as a Variant of Uncertain Significance.

NM_145045.5(ODAD3):c.1246C>T (p.Leu416Phe)

Gene: ODAD3 (outer dynein arm docking complex subunit 3; minus strand). Cytogenetic location: 19p13.2.
Variant type: single nucleotide variant.
Coding change: c.1246C>T on transcript NM_145045.5 (MANE Select); coding-DNA position 1246, C replaced by T.
Protein change: p.Leu416Phe; replaces leucine 416 with phenylalanine.
Molecular consequence: missense variant.
Genome position (GRCh38, 1-based): chr19:11,422,732, G>A on the plus strand (C>T on the coding strand, the complement: ODAD3 is on the minus strand). VCF-style: chr19-11422732-G-A. GRCh37 (hg19) VCF-style: chr19-11533400-G-A.
Other names: c.1084C>T, p.Leu362Phe (NM_001302453.1); c.1066C>T, p.Leu356Phe (NM_001302454.2); short protein forms L362F, L356F, L416F.
Identifiers: ClinVar variation 2175194 (VCV002175194.2), dbSNP rs777621110, ClinGen allele CA305327191.
Genomic context (GRCh38, chr19:11,422,732, plus strand): 5'-CCGCCCTCCCCAGAGCCCCGGTGCCTCACCTCACCAGCGTGGCCTCCCCCGAGTACTTGA[G>A]GTCTTCCAGCTCCCGCTGCAGTTGTTGCTTCTCCTGCTTCAGCCTCACCAACGTCTGCTC-3'
Protein context (NP_659482.3, residues 406-426): KQQLQRELED[Leu416Phe]KYSGEATLVS